The following is an entry in ClinVar:

ClinVar aggregate classification (germline): Uncertain significance (1 of 4 stars; one submission).

Conditions:
Rhabdoid tumor predisposition syndrome 2 (RTPS2). Identifiers: Orphanet 231108, Orphanet 69077, MedGen C2750074, MONDO:0013224, OMIM 613325.

Submission:

Labcorp Genetics (formerly Invitae), Labcorp
Classification: Uncertain significance for Rhabdoid tumor predisposition syndrome 2. Last evaluated: 2021-04-27. Review status: criteria provided, single submitter. Criteria: Invitae Variant Classification Sherloc (09022015). Collection method: clinical testing. Allele origin: germline.
Comment: In summary, the available evidence is currently insufficient to determine the role of this variant in disease. Therefore, it has been classified as a Variant of Uncertain Significance. Nucleotide substitutions within the consensus splice site are a relatively common cause of aberrant splicing (PMID: 17576681, 9536098). Algorithms developed to predict the effect of sequence changes on RNA splicing suggest that this variant may disrupt the consensus splice site, but this prediction has not been confirmed by published transcriptional studies. This variant has not been reported in the literature in individuals with SMARCA4-related conditions. This variant is not present in population databases (ExAC no frequency). This sequence change falls in intron 16 of the SMARCA4 gene. It does not directly change the encoded amino acid sequence of the SMARCA4 protein. It affects a nucleotide within the consensus splice site of the intron.

Literature cited by the submitters: PubMed 17576681; PubMed 9536098.

NM_003072.5(SMARCA4):c.2438+3G>T

Gene: SMARCA4 (SWI/SNF related BAF chromatin remodeling complex subunit ATPase 4; plus strand). Cytogenetic location: 19p13.2.
Variant type: single nucleotide variant.
Coding change: c.2438+3G>T on transcript NM_003072.5 (MANE Select); 3 bases into the intron after coding-DNA position 2438, G replaced by T.
Molecular consequence: intron variant.
Genome position (GRCh38, 1-based): chr19:11,013,115, G>T. VCF-style: chr19-11013115-G-T. GRCh37 (hg19) VCF-style: chr19-11123791-G-T.
Other names: c.2438+3G>T (NM_001128844.3, NM_001128849.3, NM_001128847.4 and 5 more transcripts).
Identifiers: ClinVar variation 1501487 (VCV001501487.6), dbSNP rs759309497, ClinGen allele CA2322720983.